The following is an entry in ClinVar:

NM_003072.5(SMARCA4):c.671C>T (p.Ser224Leu)

Gene: SMARCA4 (SWI/SNF related BAF chromatin remodeling complex subunit ATPase 4; plus strand). Cytogenetic location: 19p13.2.
Variant type: single nucleotide variant.
Coding change: c.671C>T on transcript NM_003072.5 (MANE Select); coding-DNA position 671, C replaced by T.
Protein change: p.Ser224Leu; replaces serine 224 with leucine.
Molecular consequence: missense variant. On other transcripts: non-coding transcript variant (1).
Genome position (GRCh38, 1-based): chr19:10,986,504, C>T. VCF-style: chr19-10986504-C-T. GRCh37 (hg19) VCF-style: chr19-11097180-C-T.
Other names: c.671C>T, p.Ser224Leu (NM_001128844.3, NM_001128845.2, NM_001128846.2 and 5 more transcripts); short protein forms S224L.
Identifiers: ClinVar variation 470445 (VCV000470445.19), dbSNP rs1368858108, ClinGen allele CA404056913.
Genomic context (GRCh38, chr19:10,986,504, plus strand): 5'-TGCAGGGCAAGCGGCCGATGCCCGGGATGCAGCAGCAGATGCCAACGCTACCTCCACCCT[C>T]GGTGTCCGCAACAGGACCCGGCCCTGGCCCTGGCCCTGGCCCCGGCCCGGGTCCCGGCCC-3'
Protein context (NP_003063.2, residues 214-234): QQQMPTLPPP[Ser224Leu]VSATGPGPGP

ClinVar aggregate classification (germline): Uncertain significance. Review status: criteria provided, multiple submitters, no conflicts (2 of 4 stars). 5 submissions from 5 submitters: Uncertain significance (5). Last evaluated 2026-01-28.

Conditions:
Hereditary cancer-predisposing syndrome. Also called: Hereditary neoplastic syndrome; Neoplastic Syndromes, Hereditary; Tumor predisposition; Hereditary Cancer Syndrome. Identifiers: Orphanet 140162, MedGen C0027672, MeSH D009386, MONDO:0015356.
Intellectual disability, autosomal dominant 16 (CSS4). Also called: COFFIN-SIRIS SYNDROME 4. Identifiers: Orphanet 1465, MedGen C3553249, MONDO:0013821, OMIM 614609.
Rhabdoid tumor predisposition syndrome 2 (RTPS2). Identifiers: Orphanet 231108, Orphanet 69077, MedGen C2750074, MONDO:0013224, OMIM 613325.

Allele frequency attached by ClinVar (database versions not stated): gnomAD exomes 0.00001; gnomAD 0.00003; TOPMed 0.00003.
gnomAD v4.1: 13 of 1,546,660 alleles (0.00084%); highest among the groups gnomAD compares: East Asian, 0.0024%; no homozygotes.

Submissions (5):

Labcorp Genetics (formerly Invitae), Labcorp
Classification: Uncertain significance for Rhabdoid tumor predisposition syndrome 2. Last evaluated: 2026-01-28. Review status: criteria provided, single submitter. Criteria: Invitae Variant Classification Sherloc (09022015). Collection method: clinical testing. Allele origin: germline.
Comment: This sequence change replaces serine, which is neutral and polar, with leucine, which is neutral and non-polar, at codon 224 of the SMARCA4 protein (p.Ser224Leu). The frequency data for this variant in the population databases is considered unreliable, as metrics indicate poor data quality at this position in the gnomAD database. This variant has not been reported in the literature in individuals affected with SMARCA4-related conditions. ClinVar contains an entry for this variant (Variation ID: 470445). Invitae Evidence Modeling of protein sequence and biophysical properties (such as structural, functional, and spatial information, amino acid conservation, physicochemical variation, residue mobility, and thermodynamic stability) indicates that this missense variant is not expected to disrupt SMARCA4 protein function with a negative predictive value of 80%. In summary, the available evidence is currently insufficient to determine the role of this variant in disease. Therefore, it has been classified as a Variant of Uncertain Significance.

Ambry Genetics
Classification: Uncertain significance for Hereditary cancer-predisposing syndrome. Last evaluated: 2024-12-25. Review status: criteria provided, single submitter. Criteria: Ambry Variant Classification Scheme 2023. Collection method: clinical testing. Allele origin: germline.

Baylor Genetics
Classification: Uncertain significance for Rhabdoid tumor predisposition syndrome 2. Last evaluated: 2023-09-11. Review status: criteria provided, single submitter. Criteria: ACMG Guidelines, 2015. Collection method: clinical testing. Allele origin: unknown.

Quest Diagnostics Nichols Institute San Juan Capistrano
Classification: Uncertain significance. Last evaluated: 2023-07-04. Review status: criteria provided, single submitter. Criteria: Quest Diagnostics criteria. Collection method: clinical testing. Allele origin: unknown.
Comment: To the best of our knowledge, this variant has not been reported in the published literature. The frequency of this variant in the general population, 0.000007 (1/143350 chromosomes (Genome Aggregation Database)), is uninformative in the assessment of its pathogenicity. Analysis of this variant using bioinformatics tools for the prediction of the effect of amino acid changes on protein structure and function yielded predictions that this variant is benign. Based on the available information, we are unable to determine the clinical significance of this variant.

Genome-Nilou Lab
Classification: Uncertain significance for Intellectual disability, autosomal dominant 16. Last evaluated: 2021-07-15. Review status: criteria provided, single submitter. Criteria: ACMG Guidelines, 2015. Collection method: clinical testing. Allele origin: germline. Affected: no.